The following is an entry in ClinVar:

ClinVar aggregate classification (germline): Uncertain significance (1 of 4 stars; one submission).

Conditions:
Charcot-Marie-Tooth Neuropathy X. Identifiers: MedGen CN118851.

Submission:

Labcorp Genetics (formerly Invitae), Labcorp
Classification: Uncertain significance for Charcot-Marie-Tooth Neuropathy X. Last evaluated: 2022-07-14. Review status: criteria provided, single submitter. Criteria: Invitae Variant Classification Sherloc (09022015). Collection method: clinical testing. Allele origin: germline.
Comment: In summary, the available evidence is currently insufficient to determine the role of this variant in disease. Therefore, it has been classified as a Variant of Uncertain Significance. Algorithms developed to predict the effect of missense changes on protein structure and function are either unavailable or do not agree on the potential impact of this missense change (SIFT: "Tolerated"; PolyPhen-2: "Probably Damaging"; Align-GVGD: "Class C0"). This variant has not been reported in the literature in individuals affected with GJB1-related conditions. This variant is not present in population databases (gnomAD no frequency). This sequence change replaces asparagine, which is neutral and polar, with aspartic acid, which is acidic and polar, at codon 246 of the GJB1 protein (p.Asn246Asp).

NM_000166.6(GJB1):c.736A>G (p.Asn246Asp)

Gene: GJB1 (gap junction protein beta 1; plus strand). Cytogenetic location: Xq13.1.
Variant type: single nucleotide variant.
Coding change: c.736A>G on transcript NM_000166.6 (MANE Select); coding-DNA position 736, A replaced by G.
Protein change: p.Asn246Asp; replaces asparagine 246 with aspartic acid.
Molecular consequence: missense variant.
Genome position (GRCh38, 1-based): chrX:71,224,443, A>G. VCF-style: chrX-71224443-A-G. GRCh37 (hg19) VCF-style: chrX-70444293-A-G.
Other names: c.736A>G, p.Asn246Asp (NM_001097642.3); short protein forms N246D.
Identifiers: ClinVar variation 1972735 (VCV001972735.5), dbSNP rs2519799238, ClinGen allele CA413503822.